The following is an entry in ClinVar:

ClinVar aggregate classification (germline): Uncertain significance. Review status: criteria provided, multiple submitters, no conflicts (2 of 4 stars). 2 submissions from 2 submitters: Uncertain significance (2). Last evaluated 2022-08-31.

Conditions:
Imerslund-Grasbeck syndrome type 1 (IGS1). Also called: Megaloblastic anemia 1, Finnish type; MEGALOBLASTIC ANEMIA, 1; Imerslund-Gräsbeck syndrome 1. Identifiers: MedGen C4016819, MONDO:0100156, OMIM 261100.
Imerslund-Grasbeck syndrome. Also called: Megaloblastic anemia due to inborn errors of metabolism; Imerslund-Gräsbeck syndrome; ENTEROCYTE COBALAMIN MALABSORPTION; ENTEROCYTE INTRINSIC FACTOR RECEPTOR, DEFECT OF; PERNICIOUS ANEMIA, JUVENILE, DUE TO SELECTIVE INTESTINAL MALABSORPTION OF VITAMIN B12, WITH PROTEINURIA. Identifiers: Orphanet 35858, MedGen C4551825, MONDO:0009853.

Allele frequency attached by ClinVar (database versions not stated): TOPMed below 0.00001; ExAC 0.00001; gnomAD 0.00001; gnomAD exomes 0.00001.
gnomAD v4.1: 8 of 1,613,804 alleles (0.0005%); highest among the groups gnomAD compares: Non-Finnish European, 0.00068%; no homozygotes.

Submissions (2):

Labcorp Genetics (formerly Invitae), Labcorp
Classification: Uncertain significance for Imerslund-Grasbeck syndrome. Last evaluated: 2022-08-31. Review status: criteria provided, single submitter. Criteria: Invitae Variant Classification Sherloc (09022015). Collection method: clinical testing. Allele origin: germline.
Comment: Algorithms developed to predict the effect of missense changes on protein structure and function are either unavailable or do not agree on the potential impact of this missense change (SIFT: "Tolerated"; PolyPhen-2: "Probably Damaging"; Align-GVGD: "Class C15"). This sequence change replaces isoleucine, which is neutral and non-polar, with valine, which is neutral and non-polar, at codon 846 of the CUBN protein (p.Ile846Val). This variant is present in population databases (rs775423928, gnomAD 0.002%). This variant has not been reported in the literature in individuals affected with CUBN-related conditions. ClinVar contains an entry for this variant (Variation ID: 299503). In summary, the available evidence is currently insufficient to determine the role of this variant in disease. Therefore, it has been classified as a Variant of Uncertain Significance.

Illumina Laboratory Services, Illumina
Classification: Uncertain significance for Imerslund-Grasbeck syndrome type 1. Last evaluated: 2018-01-13. Review status: criteria provided, single submitter. Criteria: ICSL Variant Classification Criteria 13 December 2019. Collection method: clinical testing. Allele origin: germline.

NM_001081.4(CUBN):c.2536A>G (p.Ile846Val)

Gene: CUBN (cubilin; minus strand). Cytogenetic location: 10p13.
Variant type: single nucleotide variant.
Coding change: c.2536A>G on transcript NM_001081.4 (MANE Select); coding-DNA position 2536, A replaced by G.
Protein change: p.Ile846Val; replaces isoleucine 846 with valine.
Molecular consequence: missense variant.
Genome position (GRCh38, 1-based): chr10:17,071,515, T>C on the plus strand (A>G on the coding strand, the complement: CUBN is on the minus strand). VCF-style: chr10-17071515-T-C. GRCh37 (hg19) VCF-style: chr10-17113514-T-C.
Other names: short protein forms I846V.
Identifiers: ClinVar variation 299503 (VCV000299503.9), dbSNP rs775423928, ClinGen allele CA5424949.